The following is an entry in ClinVar:

NM_001364905.1(LRBA):c.3989T>C (p.Ile1330Thr)

Gene: LRBA (LPS responsive beige-like anchor protein; minus strand). Cytogenetic location: 4q31.3.
Variant type: single nucleotide variant.
Coding change: c.3989T>C on transcript NM_001364905.1 (MANE Select); coding-DNA position 3989, T replaced by C.
Protein change: p.Ile1330Thr; replaces isoleucine 1330 with threonine.
Molecular consequence: missense variant.
Genome position (GRCh38, 1-based): chr4:150,850,739, A>G on the plus strand (T>C on the coding strand, the complement: LRBA is on the minus strand). VCF-style: chr4-150850739-A-G. GRCh37 (hg19) VCF-style: chr4-151771891-A-G.
Other names: c.3989T>C, p.Ile1330Thr (NM_001199282.3, NM_001367550.1, NM_006726.5); short protein forms I1330T.
Identifiers: ClinVar variation 1432339 (VCV001432339.6), dbSNP rs781639504, ClinGen allele CA3102937.

ClinVar aggregate classification (germline): Uncertain significance (1 of 4 stars; one submission).

Conditions:
Combined immunodeficiency due to LRBA deficiency. Also called: Common variable immunodeficiency 8, with autoimmunity. Identifiers: Orphanet 445018, MedGen C3553512, MONDO:0013863, OMIM 614700.

Allele frequency attached by ClinVar (database versions not stated): gnomAD 0.00001; gnomAD exomes 0.00001 and 0.00002; ExAC 0.00002; TOPMed 0.00002.
gnomAD v4.1: 16 of 1,610,742 alleles (0.00099%); highest among the groups gnomAD compares: Admixed American, 0.005%; no homozygotes.

Submission:

Labcorp Genetics (formerly Invitae), Labcorp
Classification: Uncertain significance for Combined immunodeficiency due to LRBA deficiency. Last evaluated: 2025-12-11. Review status: criteria provided, single submitter. Criteria: Invitae Variant Classification Sherloc (09022015). Collection method: clinical testing. Allele origin: germline.
Comment: This sequence change replaces isoleucine, which is neutral and non-polar, with threonine, which is neutral and polar, at codon 1330 of the LRBA protein (p.Ile1330Thr). This variant is present in population databases (rs781639504, gnomAD 0.006%). This variant has not been reported in the literature in individuals affected with LRBA-related conditions. ClinVar contains an entry for this variant (Variation ID: 1432339). Invitae Evidence Modeling of protein sequence and biophysical properties (such as structural, functional, and spatial information, amino acid conservation, physicochemical variation, residue mobility, and thermodynamic stability) indicates that this missense variant is not expected to disrupt LRBA protein function with a negative predictive value of 80%. In summary, the available evidence is currently insufficient to determine the role of this variant in disease. Therefore, it has been classified as a Variant of Uncertain Significance.